The following is an entry in ClinVar:

NM_001014987.2(LAT):c.393C>G (p.Gly131=)

Gene: LAT (linker for activation of T cells; plus strand). Cytogenetic location: 16p11.2.
Variant type: single nucleotide variant.
Coding change: c.393C>G on transcript NM_001014987.2 (MANE Select); coding-DNA position 393, C replaced by G.
Protein change: p.Gly131=; no amino-acid change (glycine 131 retained).
Molecular consequence: synonymous variant.
Genome position (GRCh38, 1-based): chr16:28,986,709, C>G. VCF-style: chr16-28986709-C-G. GRCh37 (hg19) VCF-style: chr16-28998030-C-G.
Other names: c.390C>G, p.Gly130= (NM_001014988.2); c.501C>G, p.Gly167= (NM_001014989.2); c.480C>G, p.Gly160= (NM_014387.4).
Identifiers: ClinVar variation 2094718 (VCV002094718.4), dbSNP rs2506683610, ClinGen allele CA494537778.

ClinVar aggregate classification (germline): Uncertain significance (1 of 4 stars; one submission).

Allele frequency attached by ClinVar (database versions not stated): gnomAD exomes below 0.00001.
gnomAD v4.1: 1 of 1,612,820 alleles (0.000062%); highest among the groups gnomAD compares: Non-Finnish European, 0.000085%; no homozygotes.

Submission:

Labcorp Genetics (formerly Invitae), Labcorp
Classification: Uncertain significance. Last evaluated: 2023-11-28. Review status: criteria provided, single submitter. Criteria: Invitae Variant Classification Sherloc (09022015). Collection method: clinical testing. Allele origin: germline.
Comment: This sequence change affects codon 131 of the LAT mRNA. It is a 'silent' change, meaning that it does not change the encoded amino acid sequence of the LAT protein. This variant is not present in population databases (gnomAD no frequency). This variant has not been reported in the literature in individuals affected with LAT-related conditions. ClinVar contains an entry for this variant (Variation ID: 2094718). Algorithms developed to predict the effect of sequence changes on RNA splicing suggest that this variant may create or strengthen a splice site. In summary, the available evidence is currently insufficient to determine the role of this variant in disease. Therefore, it has been classified as a Variant of Uncertain Significance.